The following is an entry in ClinVar:

ClinVar aggregate classification (germline): Uncertain significance (1 of 4 stars; one submission).

Conditions:
Mucopolysaccharidosis, MPS-III-A (MPS3A). Also called: HEPARAN SULFATE SULFATASE DEFICIENCY; SANFILIPPO SYNDROME A; SULFAMIDASE DEFICIENCY; MPS III A; MUCOPOLYSACCHARIDOSIS, TYPE IIIA, ATTENUATED; Mucopolysaccharidosis type IIIA (Sanfilippo A). Identifiers: Orphanet 581, Orphanet 79269, MedGen C0086647, MONDO:0009655, OMIM 252900.

Submission:

Labcorp Genetics (formerly Invitae), Labcorp
Classification: Uncertain significance for Mucopolysaccharidosis, MPS-III-A. Last evaluated: 2024-03-22. Review status: criteria provided, single submitter. Criteria: Invitae Variant Classification Sherloc (09022015). Collection method: clinical testing. Allele origin: germline.
Comment: This sequence change replaces arginine, which is basic and polar, with histidine, which is basic and polar, at codon 304 of the SGSH protein (p.Arg304His). This variant is present in population databases (rs745884647, gnomAD 0.003%). This variant has not been reported in the literature in individuals affected with SGSH-related conditions. ClinVar contains an entry for this variant (Variation ID: 2198055). Advanced modeling of protein sequence and biophysical properties (such as structural, functional, and spatial information, amino acid conservation, physicochemical variation, residue mobility, and thermodynamic stability) has been performed at Invitae for this missense variant, however the output from this modeling did not meet the statistical confidence thresholds required to predict the impact of this variant on SGSH protein function. In summary, the available evidence is currently insufficient to determine the role of this variant in disease. Therefore, it has been classified as a Variant of Uncertain Significance.

NM_000199.5(SGSH):c.911G>A (p.Arg304His)

Gene: SGSH (N-sulfoglucosamine sulfohydrolase; minus strand). Cytogenetic location: 17q25.3.
Variant type: single nucleotide variant.
Coding change: c.911G>A on transcript NM_000199.5 (MANE Select); coding-DNA position 911, G replaced by A.
Protein change: p.Arg304His; replaces arginine 304 with histidine.
Molecular consequence: missense variant. On other transcripts: non-coding transcript variant (1).
Genome position (GRCh38, 1-based): chr17:80,212,109, C>T on the plus strand (G>A on the coding strand, the complement: SGSH is on the minus strand). VCF-style: chr17-80212109-C-T. GRCh37 (hg19) VCF-style: chr17-78185908-C-T.
Other names: c.911G>A, p.Arg304His (NM_001352921.3, NM_001352922.2); short protein forms R304H.
Identifiers: ClinVar variation 2198055 (VCV002198055.3), dbSNP rs745884647, ClinGen allele CA8817753.
Genomic context (GRCh38, chr17:80,212,109, plus strand): 5'-ACGGAGACAGACAAAGGCATACCTAGGAGGCTCACGTAGGCCTCGCTGACTTGGCCCCAG[C>T]GTTTTGGGTGCTCCGGGGATGACACCAGTAAGGGTTCAGCAGTGCCCGGCCAGTACAGGT-3'
Protein context (NP_000190.1, residues 294-314): LLVSSPEHPK[Arg304His]WGQVSEAYVS